The following is an entry in ClinVar:

NM_001199799.2(ILDR1):c.799C>A (p.Leu267Ile)

Gene: ILDR1 (immunoglobulin like domain containing receptor 1; minus strand). Cytogenetic location: 3q13.33.
Variant type: single nucleotide variant.
Coding change: c.799C>A on transcript NM_001199799.2 (MANE Select); coding-DNA position 799, C replaced by A.
Protein change: p.Leu267Ile; replaces leucine 267 with isoleucine.
Molecular consequence: missense variant.
Genome position (GRCh38, 1-based): chr3:121,993,950, G>T on the plus strand (C>A on the coding strand, the complement: ILDR1 is on the minus strand). VCF-style: chr3-121993950-G-T. GRCh37 (hg19) VCF-style: chr3-121712797-G-T.
Other names: c.532C>A, p.Leu178Ile (NM_001199800.2); c.667C>A, p.Leu223Ile (NM_175924.4); short protein forms L178I, L223I, L267I.
Identifiers: ClinVar variation 5040108 (VCV005040108.1).
Genomic context (GRCh38, chr3:121,993,950, plus strand): 5'-CCAGGACACCATTGGCGATGGGAGGCTGATTGGTGGTCTGGGTCATTGGCATCTGCGGGA[G>T]GCTGGACGGCAGGGACAAATCTGAATGGAAACAAGGACAGGACAATAGAACAAATGGCCC-3'
Protein context (NP_001186728.1, residues 257-277): LQRDLSLPSS[Leu267Ile]PQMPMTQTTN

ClinVar aggregate classification (germline): Uncertain significance (1 of 4 stars; one submission).

gnomAD v4.1: 2 of 1,611,688 alleles (0.00012%); highest among the groups gnomAD compares: South Asian, 0.0011%; no homozygotes.

Submission:

CeGaT Center for Human Genetics Tuebingen
Classification: Uncertain significance. Last evaluated: 2026-07-01. Review status: criteria provided, single submitter. Criteria: CeGaT Center For Human Genetics Tuebingen Variant Classification Criteria Version 2. Collection method: clinical testing. Allele origin: germline. Affected: yes. Observed: 1 variant allele.
Comment: ILDR1: PM2, BP4